The following is an entry in ClinVar:

ClinVar aggregate classification (germline): Uncertain significance (1 of 4 stars; one submission).

Conditions:
Snijders Blok-Campeau syndrome. Also called: INTELLECTUAL DEVELOPMENTAL DISORDER WITH MACROCEPHALY, SPEECH DELAY, AND DYSMORPHIC FACIES. Identifiers: Orphanet 599082, MedGen C4748701, MONDO:0032600, OMIM 618205.

Allele frequency attached by ClinVar (database versions not stated): TOPMed below 0.00001; ExAC 0.00002; gnomAD exomes 0.00001.
gnomAD v4.1: 7 of 1,519,744 alleles (0.00046%); highest among the groups gnomAD compares: East Asian, 0.012%; no homozygotes.

Submission:

New York Genome Center
Classification: Uncertain significance for Snijders Blok-Campeau syndrome. Last evaluated: 2021-03-04. Review status: criteria provided, single submitter. Criteria: NYGC Assertion Criteria 2020. Collection method: clinical testing. Allele origin: inherited. Observed: 1 heterozygote. Study: CSER-NYCKidSeq.
Comment: The inherited heterozygous missense variant c.5122G>C (p.Glu1708Gln) identified in theCHD3 gene has not been reported inaffected individuals in the literature. The variant is absent from gnomAD(v3) database suggesting it is not a common benign variant in the populations represented in that database. The variant affects a moderately conserved residue. In silico tools provide conflicting predictions about potential pathogenicity of this variant[CADD score= 23.2, REVEL score= 0.212]. Based on the availableevidence, the inherited heterozygous c.5122G>C (p.Glu1708Gln) variant identified in the CHD3 gene is reported as a variantof uncertain significance.

NM_001005273.3(CHD3):c.4945G>C (p.Glu1649Gln)

Gene: CHD3 (chromodomain helicase DNA binding protein 3; plus strand). Cytogenetic location: 17p13.1.
Variant type: single nucleotide variant.
Coding change: c.4945G>C on transcript NM_001005273.3 (MANE Select); coding-DNA position 4945, G replaced by C.
Protein change: p.Glu1649Gln; replaces glutamic acid 1649 with glutamine.
Molecular consequence: missense variant. On other transcripts: intron variant (1).
Genome position (GRCh38, 1-based): chr17:7,907,621, G>C. VCF-style: chr17-7907621-G-C. GRCh37 (hg19) VCF-style: chr17-7810939-G-C.
Other names: c.4924+133G>C (NM_005852.4); c.5122G>C, p.Glu1708Gln (NM_001005271.3); short protein forms E1649Q, E1708Q.
Identifiers: ClinVar variation 1342403 (VCV001342403.1), dbSNP rs749147376, ClinGen allele CA8363529.